The following is an entry in ClinVar:

ClinVar aggregate classification (germline): Uncertain significance (1 of 4 stars; one submission).

Submission:

Labcorp Genetics (formerly Invitae), Labcorp
Classification: Uncertain significance. Last evaluated: 2023-03-01. Review status: criteria provided, single submitter. Criteria: Invitae Variant Classification Sherloc (09022015). Collection method: clinical testing. Allele origin: germline.
Comment: In summary, the available evidence is currently insufficient to determine the role of this variant in disease. Therefore, it has been classified as a Variant of Uncertain Significance. Experimental studies and prediction algorithms are not available or were not evaluated, and the functional significance of this variant is currently unknown. This variant has not been reported in the literature in individuals affected with BCL11B-related conditions. This variant is not present in population databases (gnomAD no frequency). This sequence change creates a premature translational stop signal (p.Lys227Serfs*54) in the BCL11B gene. While this is not anticipated to result in nonsense mediated decay, it is expected to disrupt the last 668 amino acid(s) of the BCL11B protein.

NM_138576.4(BCL11B):c.680del (p.Lys227fs)

Gene: BCL11B (BCL11 transcription factor B; minus strand). Cytogenetic location: 14q32.2.
Variant type: Deletion.
Coding change: c.680del on transcript NM_138576.4 (MANE Select); coding-DNA position 680, one base deleted (A; older notation c.680delA).
Protein change: p.Lys227fs; shifts the reading frame from lysine 227.
Molecular consequence: frameshift variant.
Genome position (GRCh38, 1-based): chr14:99,176,156, T deleted on the plus strand (A on the coding strand, the reverse complement: BCL11B is on the minus strand); the first of 2 consecutive T bases (chr14:99,176,156-99,176,157); deleting either gives the same sequence. VCF-style (leftmost placement, unchanged base first): chr14-99176155-CT-C. GRCh37 (hg19) VCF-style: chr14-99642492-CT-C.
Other names: c.677del, p.Lys226fs (NM_001282237.2); c.464del, p.Lys155fs (NM_001282238.2); c.467del, p.Lys156fs (NM_022898.3); short protein forms K156fs, K226fs, K155fs, K227fs.
Identifiers: ClinVar variation 2833366 (VCV002833366.3), dbSNP rs2503653596, ClinGen allele CA2739278963.